The following is an entry in ClinVar:

NM_000322.5(PRPH2):c.1027C>T (p.Pro343Ser)

Gene: PRPH2 (peripherin 2; minus strand). Cytogenetic location: 6p21.1.
Variant type: single nucleotide variant.
Coding change: c.1027C>T on transcript NM_000322.5 (MANE Select); coding-DNA position 1027, C replaced by T.
Protein change: p.Pro343Ser; replaces proline 343 with serine.
Molecular consequence: missense variant.
Genome position (GRCh38, 1-based): chr6:42,698,309, G>A on the plus strand (C>T on the coding strand, the complement: PRPH2 is on the minus strand). VCF-style: chr6-42698309-G-A. GRCh37 (hg19) VCF-style: chr6-42666047-G-A.
Other names: short protein forms P343S.
Identifiers: ClinVar variation 1370853 (VCV001370853.7), dbSNP rs771868894, ClinGen allele CA3808455.

ClinVar aggregate classification (germline): Uncertain significance. Review status: criteria provided, multiple submitters, no conflicts (2 of 4 stars). 2 submissions from 2 submitters: Uncertain significance (2). Last evaluated 2022-08-23.

Conditions:
PRPH2-related disorder. Also called: PRPH2-related disorders; PRPH2-related condition. Identifiers: MedGen CN239395.

Allele frequency attached by ClinVar (database versions not stated): gnomAD exomes below 0.00001 and 0.00001; TOPMed below 0.00001; ExAC 0.00001; gnomAD 0.00001.
gnomAD v4.1: 7 of 1,613,672 alleles (0.00043%); highest among the groups gnomAD compares: South Asian, 0.0022%; no homozygotes.

Submissions (2):

Labcorp Genetics (formerly Invitae), Labcorp
Classification: Uncertain significance for PRPH2-related disorder. Last evaluated: 2022-08-23. Review status: criteria provided, single submitter. Criteria: Invitae Variant Classification Sherloc (09022015). Collection method: clinical testing. Allele origin: germline.
Comment: Advanced modeling of protein sequence and biophysical properties (such as structural, functional, and spatial information, amino acid conservation, physicochemical variation, residue mobility, and thermodynamic stability) performed at Invitae indicates that this missense variant is not expected to disrupt PRPH2 protein function. In summary, the available evidence is currently insufficient to determine the role of this variant in disease. Therefore, it has been classified as a Variant of Uncertain Significance. ClinVar contains an entry for this variant (Variation ID: 1370853). This variant has not been reported in the literature in individuals affected with PRPH2-related conditions. This variant is present in population databases (rs771868894, gnomAD 0.002%). This sequence change replaces proline, which is neutral and non-polar, with serine, which is neutral and polar, at codon 343 of the PRPH2 protein (p.Pro343Ser).

Blueprint Genetics
Classification: Uncertain significance. Last evaluated: 2019-10-23. Review status: criteria provided, single submitter. Criteria: ACMG Guidelines, 2015. Collection method: clinical testing. Allele origin: germline.